The following is an entry in ClinVar:

ClinVar aggregate classification (germline): Conflicting classifications of pathogenicity. Review status: criteria provided, conflicting classifications (1 of 4 stars). 5 submissions from 5 submitters: Uncertain significance (3); Likely benign (2). Last evaluated 2026-09-09.

Conditions:
Inborn genetic diseases. Identifiers: MedGen C0950123, MeSH D030342.
Progressive myoclonic epilepsy. Also called: Familial progressive myoclonic epilepsy; Myoclonic Epilepsies, Progressive; Progressive myoclonus epilepsy; Myoclonus epilepsy. Identifiers: Orphanet 308, Orphanet 98261, MedGen C0751778, MONDO:0020074.

Allele frequency attached by ClinVar (database versions not stated): gnomAD exomes 0.00008 and 0.00024; ExAC 0.00034; ESP Exome Variant Server 0.00092; TOPMed 0.00099; gnomAD 0.00101 and 0.00108; 1000 Genomes Project 30x 0.00109; 1000 Genomes Project 0.00120.
gnomAD v4.1: 272 of 1,614,052 alleles (0.017%); highest among the groups gnomAD compares: African/African-American, 0.35%; no homozygotes.

Submissions (5):

GeneDx
Classification: Uncertain significance. Last evaluated: 2026-09-09. Review status: criteria provided, single submitter. Criteria: GeneDx Variant Classification Process June 2021. Collection method: clinical testing. Allele origin: germline.
Comment: In silico analysis supports that this missense variant has a deleterious effect on protein structure/function; Has not been previously published as pathogenic or benign to our knowledge

Labcorp Genetics (formerly Invitae), Labcorp
Classification: Likely benign for Progressive myoclonic epilepsy. Last evaluated: 2026-01-26. Review status: criteria provided, single submitter. Criteria: Invitae Variant Classification Sherloc (09022015). Collection method: clinical testing. Allele origin: germline.

Mayo Clinic Laboratories, Mayo Clinic
Classification: Likely benign. Last evaluated: 2025-06-04. Review status: criteria provided, single submitter. Criteria: ACMG Guidelines, 2015. Collection method: clinical testing. Allele origin: germline. Observed: 2 variant alleles.
Comment: BS1, BP4_moderate

Revvity Omics, Revvity
Classification: Uncertain significance. Last evaluated: 2019-03-16. Review status: criteria provided, single submitter. Criteria: ACMG Guidelines, 2015. Collection method: clinical testing. Allele origin: germline.

Ambry Genetics
Classification: Uncertain significance for Inborn genetic diseases. Last evaluated: 2018-09-10. Review status: criteria provided, single submitter. Criteria: Ambry Variant Classification Scheme 2023. Collection method: clinical testing. Allele origin: germline.
Comment: The p.T108P variant (also known as c.322A>C), located in coding exon 4 of the GOSR2 gene, results from an A to C substitution at nucleotide position 322. The threonine at codon 108 is replaced by proline, an amino acid with highly similar properties. This amino acid position is well conserved in available vertebrate species. In addition, this alteration is predicted to be tolerated by in silico analysis. Since supporting evidence is limited at this time, the clinical significance of this alteration remains unclear.

NM_004287.5(GOSR2):c.322A>C (p.Thr108Pro)

Genes: GOSR2 (golgi SNAP receptor complex member 2; plus strand), LRRC37A2 (leucine rich repeat containing 37 member A2). Cytogenetic location: 17q21.32.
Variant type: single nucleotide variant.
Coding change: c.322A>C on transcript NM_004287.5 (MANE Select); coding-DNA position 322, A replaced by C.
Protein change: p.Thr108Pro; replaces threonine 108 with proline.
Molecular consequence: missense variant. On other transcripts: non-coding transcript variant (3).
Genome position (GRCh38, 1-based): chr17:46,932,185, A>C. VCF-style: chr17-46932185-A-C. GRCh37 (hg19) VCF-style: chr17-45009551-A-C.
Other names: p.T108P:ACC>CCC; p.Thr108Pro; c.322A>C, p.Thr108Pro (NM_001012511.3, NM_001321133.2, NM_001330252.2 and 1 more transcripts); c.268A>C, p.Thr90Pro (NM_001321134.2, NM_001363851.2); c.319A>C, p.Thr107Pro (NM_001353114.2, NM_001353115.2, NM_001353116.2); c.322A>C (NM_004287.4); short protein forms T108P, T107P, T90P.
Identifiers: ClinVar variation 205634 (VCV000205634.24), dbSNP rs138510884, ClinGen allele CA314908.